The following is an entry in ClinVar:

NM_002439.5(MSH3):c.817T>C (p.Tyr273His)

Gene: MSH3 (mutS homolog 3; plus strand). Cytogenetic location: 5q14.1.
Variant type: single nucleotide variant.
Coding change: c.817T>C on transcript NM_002439.5 (MANE Select); coding-DNA position 817, T replaced by C.
Protein change: p.Tyr273His; replaces tyrosine 273 with histidine.
Molecular consequence: missense variant.
Genome position (GRCh38, 1-based): chr5:80,672,268, T>C. VCF-style: chr5-80672268-T-C. GRCh37 (hg19) VCF-style: chr5-79968087-T-C.
Other names: short protein forms Y273H.
Identifiers: ClinVar variation 1364142 (VCV001364142.9), dbSNP rs186924833, ClinGen allele CA3327723.

ClinVar aggregate classification (germline): Uncertain significance. Review status: criteria provided, multiple submitters, no conflicts (2 of 4 stars). 2 submissions from 2 submitters: Uncertain significance (2). Last evaluated 2025-11-24.

Conditions:
Hereditary cancer-predisposing syndrome. Also called: Neoplastic Syndromes, Hereditary; Tumor predisposition; Hereditary neoplastic syndrome; Hereditary Cancer Syndrome. Identifiers: Orphanet 140162, MedGen C0027672, MeSH D009386, MONDO:0015356.

Allele frequency attached by ClinVar (database versions not stated): gnomAD exomes below 0.00001; ExAC 0.00001; gnomAD 0.00001 and 0.00002; TOPMed 0.00001; 1000 Genomes Project 30x 0.00016; 1000 Genomes Project 0.00020.
gnomAD v4.1: 5 of 1,613,762 alleles (0.00031%); highest among the groups gnomAD compares: African/African-American, 0.0067%; no homozygotes.

Submissions (2):

Ambry Genetics
Classification: Uncertain significance for Hereditary cancer-predisposing syndrome. Last evaluated: 2025-11-24. Review status: criteria provided, single submitter. Criteria: Ambry Variant Classification Scheme 2023. Collection method: clinical testing. Allele origin: germline.
Comment: The p.Y273H variant (also known as c.817T>C), located in coding exon 5 of the MSH3 gene, results from a T to C substitution at nucleotide position 817. The tyrosine at codon 273 is replaced by histidine, an amino acid with similar properties. This amino acid position is well conserved in available vertebrate species. In addition, the in silico prediction for this alteration is inconclusive. Based on the available evidence, the clinical significance of this variant remains unclear.

Labcorp Genetics (formerly Invitae), Labcorp
Classification: Uncertain significance. Last evaluated: 2025-07-14. Review status: criteria provided, single submitter. Criteria: Invitae Variant Classification Sherloc (09022015). Collection method: clinical testing. Allele origin: germline.
Comment: This sequence change replaces tyrosine, which is neutral and polar, with histidine, which is basic and polar, at codon 273 of the MSH3 protein (p.Tyr273His). This variant is not present in population databases (gnomAD no frequency). This variant has not been reported in the literature in individuals affected with MSH3-related conditions. ClinVar contains an entry for this variant (Variation ID: 1364142). An algorithm developed to predict the effect of missense changes on protein structure and function (PolyPhen-2) suggests that this variant is likely to be disruptive. In summary, the available evidence is currently insufficient to determine the role of this variant in disease. Therefore, it has been classified as a Variant of Uncertain Significance.